The following is an entry in ClinVar:

ClinVar aggregate classification (germline): Uncertain significance. Review status: criteria provided, multiple submitters, no conflicts (2 of 4 stars). 2 submissions from 2 submitters: Uncertain significance (2). Last evaluated 2025-07-31.

Conditions:
Primary ciliary dyskinesia. Also called: Ciliary dyskinesia. Identifiers: Orphanet 244, MedGen C0008780, MONDO:0016575, HP:0012265.

Allele frequency attached by ClinVar (database versions not stated): TOPMed 0.00005; gnomAD exomes 0.00001 and 0.00002; ExAC 0.00002; gnomAD 0.00005.
gnomAD v4.1: 30 of 1,613,398 alleles (0.0019%); highest among the groups gnomAD compares: Admixed American, 0.012%; 1 homozygote.

Submissions (2):

Ambry Genetics
Classification: Uncertain significance. Last evaluated: 2025-07-31. Review status: criteria provided, single submitter. Criteria: Ambry Variant Classification Scheme 2023. Collection method: clinical testing. Allele origin: germline.

Labcorp Genetics (formerly Invitae), Labcorp
Classification: Uncertain significance for Primary ciliary dyskinesia. Last evaluated: 2021-08-28. Review status: criteria provided, single submitter. Criteria: Invitae Variant Classification Sherloc (09022015). Collection method: clinical testing. Allele origin: germline.
Comment: This sequence change replaces aspartic acid with glutamic acid at codon 244 of the DNAH8 protein (p.Asp244Glu). The aspartic acid residue is highly conserved and there is a small physicochemical difference between aspartic acid and glutamic acid. This variant is present in population databases (rs776721493, ExAC 0.03%). This variant has not been reported in the literature in individuals affected with DNAH8-related conditions. Algorithms developed to predict the effect of missense changes on protein structure and function output the following: SIFT: "Deleterious"; PolyPhen-2: "Not Available"; Align-GVGD: "Class C0". The glutamic acid amino acid residue is found in multiple mammalian species, which suggests that this missense change does not adversely affect protein function. Algorithms developed to predict the effect of sequence changes on RNA splicing suggest that this variant may create or strengthen a splice site. In summary, the available evidence is currently insufficient to determine the role of this variant in disease. Therefore, it has been classified as a Variant of Uncertain Significance.

NM_001206927.2(DNAH8):c.732T>A (p.Asp244Glu)

Gene: DNAH8 (dynein axonemal heavy chain 8; plus strand). Cytogenetic location: 6p21.2.
Variant type: single nucleotide variant.
Coding change: c.732T>A on transcript NM_001206927.2 (MANE Select); coding-DNA position 732, T replaced by A.
Protein change: p.Asp244Glu; replaces aspartic acid 244 with glutamic acid.
Molecular consequence: missense variant.
Genome position (GRCh38, 1-based): chr6:38,734,595, T>A. VCF-style: chr6-38734595-T-A. GRCh37 (hg19) VCF-style: chr6-38702371-T-A.
Other names: c.81T>A, p.Asp27Glu (NM_001371.4); short protein forms D244E, D27E.
Identifiers: ClinVar variation 573972 (VCV000573972.7), dbSNP rs776721493, ClinGen allele CA3788027.
Genomic context (GRCh38, chr6:38,734,595, plus strand): 5'-CAATGCAGCCCCGGATAAACTAAAAGGACTGTGCATATTTTTTGTTCGTTGCCGTAATGA[T>A]GTTGCTATAAATGTTAAAACTATTCAAGAGGTATGTTTAAAAATTTCCCCAAATACATAG-3'
Protein context (NP_001193856.1, residues 234-254): LCIFFVRCRN[Asp244Glu]VAINVKTIQE